The following is an entry in ClinVar:

ClinVar aggregate classification (germline): Uncertain significance (1 of 4 stars; one submission).

Submission:

Ambry Genetics
Classification: Uncertain significance. Last evaluated: 2025-09-18. Review status: criteria provided, single submitter. Criteria: Ambry Variant Classification Scheme 2023. Collection method: clinical testing. Allele origin: germline.
Comment: The p.E30Q variant (also known as c.88G>C), located in coding exon 1 of the GFI1 gene, results from a G to C substitution at nucleotide position 88. The glutamic acid at codon 30 is replaced by glutamine, an amino acid with highly similar properties. This amino acid position is conserved. In addition, this alteration is predicted to be tolerated by in silico analysis. Based on the available evidence, the clinical significance of this variant remains unclear.

NM_005263.5(GFI1):c.88G>C (p.Glu30Gln)

Gene: GFI1 (growth factor independent 1 transcriptional repressor; minus strand). Cytogenetic location: 1p22.1.
Variant type: single nucleotide variant.
Coding change: c.88G>C on transcript NM_005263.5 (MANE Select); coding-DNA position 88, G replaced by C.
Protein change: p.Glu30Gln; replaces glutamic acid 30 with glutamine.
Molecular consequence: missense variant.
Genome position (GRCh38, 1-based): chr1:92,483,400, C>G on the plus strand (G>C on the coding strand, the complement: GFI1 is on the minus strand). VCF-style: chr1-92483400-C-G. GRCh37 (hg19) VCF-style: chr1-92948957-C-G.
Other names: c.88G>C, p.Glu30Gln (NM_001127215.3, NM_001127216.3); short protein forms E30Q.
Identifiers: ClinVar variation 4671554 (VCV004671554.1).